The following is an entry in ClinVar:

ClinVar aggregate classification (germline): Uncertain significance (1 of 4 stars; one submission).

Conditions:
Neuropathy, hereditary sensory and autonomic, type 2A (HSAN2A). Also called: ACROOSTEOLYSIS, GIACCAI TYPE; ACROOSTEOLYSIS, NEUROGENIC; WNK1-Related HSAN2 (HSAN2A); NEUROPATHY, HEREDITARY SENSORY RADICULAR, AUTOSOMAL RECESSIVE; MORVAN DISEASE; NEUROPATHY, CONGENITAL SENSORY. Identifiers: Orphanet 970, MedGen C2752089, MONDO:0024309, OMIM 201300.
Generalized epilepsy with febrile seizures plus, type 7 (GEFSP7). Also called: GEFS+, TYPE 7. Identifiers: Orphanet 36387, MedGen C2751778, MONDO:0013470, OMIM 613863.

gnomAD v4.1: 1 of 1,588,764 alleles (0.000063%); highest among the groups gnomAD compares: Non-Finnish European, 0.000086%; no homozygotes.

Submission:

Labcorp Genetics (formerly Invitae), Labcorp
Classification: Uncertain significance for Neuropathy, hereditary sensory and autonomic, type 2A; Generalized epilepsy with febrile seizures plus, type 7. Last evaluated: 2025-08-30. Review status: criteria provided, single submitter. Criteria: Invitae Variant Classification Sherloc (09022015). Collection method: clinical testing. Allele origin: germline.
Comment: This sequence change replaces isoleucine, which is neutral and non-polar, with valine, which is neutral and non-polar, at codon 1442 of the SCN9A protein (p.Ile1442Val). This variant is not present in population databases (gnomAD no frequency). This variant has not been reported in the literature in individuals affected with SCN9A-related conditions. Invitae Evidence Modeling of protein sequence and biophysical properties (such as structural, functional, and spatial information, amino acid conservation, physicochemical variation, residue mobility, and thermodynamic stability) indicates that this missense variant is not expected to disrupt SCN9A protein function with a negative predictive value of 95%. In summary, the available evidence is currently insufficient to determine the role of this variant in disease. Therefore, it has been classified as a Variant of Uncertain Significance.

NM_001365536.1(SCN9A):c.4357A>G (p.Ile1453Val)

Genes: SCN1A-AS1 (SCN1A and SCN9A antisense RNA 1; plus strand), SCN9A (sodium voltage-gated channel alpha subunit 9; minus strand). Cytogenetic location: 2q24.3.
Variant type: single nucleotide variant.
Coding change: c.4357A>G on transcript NM_001365536.1 (MANE Select); coding-DNA position 4357, A replaced by G.
Protein change: p.Ile1453Val; replaces isoleucine 1453 with valine.
Molecular consequence: missense variant.
Genome position (GRCh38, 1-based): chr2:166,226,608, T>C on the plus strand (A>G on the coding strand, the complement: SCN9A is on the minus strand). VCF-style: chr2-166226608-T-C. GRCh37 (hg19) VCF-style: chr2-167083118-T-C.
Other names: c.4324A>G, p.Ile1442Val (NM_002977.4); short protein forms I1442V, I1453V.
Identifiers: ClinVar variation 4783384 (VCV004783384.1).